The following is an entry in ClinVar:

ClinVar aggregate classification (germline): Likely benign. Review status: criteria provided, multiple submitters, no conflicts (2 of 4 stars). 2 submissions from 2 submitters: Likely benign (2). Last evaluated 2025-12-24.

Conditions:
Arrhythmogenic right ventricular dysplasia 12. Also called: ARRHYTHMOGENIC RIGHT VENTRICULAR DYSPLASIA, FAMILIAL, 12. Identifiers: MedGen C1969081, MONDO:0012684, OMIM 611528.
Naxos disease (NXD). Also called: WOOLLY HAIR, PALMOPLANTAR KERATODERMA, AND CARDIAC ABNORMALITIES; CARDIOMYOPATHY, ARRHYTHMOGENIC RIGHT VENTRICULAR, WITH SKIN, HAIR, AND NAIL ABNORMALITIES; PALMOPLANTAR KERATODERMA WITH ARRHYTHMOGENIC RIGHT VENTRICULAR CARDIOMYOPATHY AND WOOLLY HAIR; KERATOSIS PALMOPLANTARIS WITH ARRHYTHMOGENIC CARDIOMYOPATHY; MAL DE NAXOS. Identifiers: Orphanet 34217, MedGen C1832600, MONDO:0011017, OMIM 601214.

Allele frequency attached by ClinVar (database versions not stated): gnomAD exomes below 0.00001 and 0.00004; gnomAD 0.00003; TOPMed 0.00003.
gnomAD v4.1: 55 of 1,598,114 alleles (0.0034%); highest among the groups gnomAD compares: Non-Finnish European, 0.0045%; no homozygotes.

Submissions (2):

Labcorp Genetics (formerly Invitae), Labcorp
Classification: Likely benign for Arrhythmogenic right ventricular dysplasia 12; Naxos disease. Last evaluated: 2025-12-24. Review status: criteria provided, single submitter. Criteria: Invitae Variant Classification Sherloc (09022015). Collection method: clinical testing. Allele origin: germline.

GeneDx
Classification: Likely benign. Last evaluated: 2015-10-28. Review status: criteria provided, single submitter. Criteria: GeneDx Variant Classification (06012015). Collection method: clinical testing. Allele origin: germline. Affected: yes.
Comment: This variant is considered likely benign or benign based on one or more of the following criteria: it is a conservative change, it occurs at a poorly conserved position in the protein, it is predicted to be benign by multiple in silico algorithms, and/or has population frequency not consistent with disease.

NM_002230.4(JUP):c.1653+18G>A

Gene: JUP (junction plakoglobin; minus strand). Cytogenetic location: 17q21.2.
Variant type: single nucleotide variant.
Coding change: c.1653+18G>A on transcript NM_002230.4 (MANE Select); 18 bases into the intron after coding-DNA position 1653, G replaced by A.
Molecular consequence: intron variant.
Genome position (GRCh38, 1-based): chr17:41,758,697, C>T on the plus strand (G>A on the coding strand, the complement: JUP is on the minus strand). VCF-style: chr17-41758697-C-T. GRCh37 (hg19) VCF-style: chr17-39914949-C-T.
Other names: c.1653+18G>A (NM_001352774.2, NM_021991.4, NM_001352776.2 and 3 more transcripts).
Identifiers: ClinVar variation 381085 (VCV000381085.5), dbSNP rs1057520950, ClinGen allele CA16607224.